The following is an entry in ClinVar:

ClinVar aggregate classification (germline): Uncertain significance. Review status: criteria provided, multiple submitters, no conflicts (2 of 4 stars). 2 submissions from 2 submitters: Uncertain significance (2). Last evaluated 2025-02-01.

Conditions:
Inborn genetic diseases. Identifiers: MedGen C0950123, MeSH D030342.

Submissions (2):

Ambry Genetics
Classification: Uncertain significance for Inborn genetic diseases. Last evaluated: 2025-02-01. Review status: criteria provided, single submitter. Criteria: Ambry Variant Classification Scheme 2023. Collection method: clinical testing. Allele origin: germline.
Comment: The p.S1570L variant (also known as c.4709C>T), located in coding exon 31 of the ANKRD26 gene, results from a C to T substitution at nucleotide position 4709. The serine at codon 1570 is replaced by leucine, an amino acid with dissimilar properties. This amino acid position is conserved. In addition, this alteration is predicted to be tolerated by in silico analysis. Based on the available evidence, the clinical significance of this variant remains unclear.

Labcorp Genetics (formerly Invitae), Labcorp
Classification: Uncertain significance. Last evaluated: 2023-10-03. Review status: criteria provided, single submitter. Criteria: Invitae Variant Classification Sherloc (09022015). Collection method: clinical testing. Allele origin: germline.
Comment: This sequence change replaces serine, which is neutral and polar, with leucine, which is neutral and non-polar, at codon 1570 of the ANKRD26 protein (p.Ser1570Leu). This variant is not present in population databases (gnomAD no frequency). This variant has not been reported in the literature in individuals affected with ANKRD26-related conditions. ClinVar contains an entry for this variant (Variation ID: 2428071). An algorithm developed to predict the effect of missense changes on protein structure and function (PolyPhen-2) suggests that this variant is likely to be tolerated. In summary, the available evidence is currently insufficient to determine the role of this variant in disease. Therefore, it has been classified as a Variant of Uncertain Significance.

NM_014915.3(ANKRD26):c.4709C>T (p.Ser1570Leu)

Gene: ANKRD26 (ankyrin repeat domain 26; minus strand). Cytogenetic location: 10p12.1.
Variant type: single nucleotide variant.
Coding change: c.4709C>T on transcript NM_014915.3 (MANE Select); coding-DNA position 4709, C replaced by T.
Protein change: p.Ser1570Leu; replaces serine 1570 with leucine.
Molecular consequence: missense variant.
Genome position (GRCh38, 1-based): chr10:27,014,509, G>A on the plus strand (C>T on the coding strand, the complement: ANKRD26 is on the minus strand). VCF-style: chr10-27014509-G-A. GRCh37 (hg19) VCF-style: chr10-27303438-G-A.
Other names: c.4706C>T, p.Ser1569Leu (NM_001256053.2); short protein forms S1569L, S1570L.
Identifiers: ClinVar variation 2428071 (VCV002428071.7), dbSNP rs2538539659, ClinGen allele CA376356024.